The following is an entry in ClinVar:

NM_004706.4(ARHGEF1):c.2381del (p.Gly794fs)

Gene: ARHGEF1 (Rho guanine nucleotide exchange factor 1; plus strand). Cytogenetic location: 19q13.2.
Variant type: Deletion.
Coding change: c.2381del on transcript NM_004706.4 (MANE Select); coding-DNA position 2381, one base deleted (G; older notation c.2381delG).
Protein change: p.Gly794fs; shifts the reading frame from glycine 794.
Molecular consequence: frameshift variant. On other transcripts: non-coding transcript variant (2).
Genome position (GRCh38, 1-based): chr19:41,905,804, G deleted; the last of 2 consecutive G bases (chr19:41,905,803-41,905,804); deleting either gives the same sequence. VCF-style (leftmost placement, unchanged base first): chr19-41905802-TG-T. GRCh37 (hg19) VCF-style: chr19-42409954-TG-T.
Other names: c.2549del, p.Gly850fs (NM_001396000.1); c.2282del, p.Gly761fs (NM_001396002.1, NM_001396004.1, NM_198977.2); c.2381del, p.Gly794fs (NM_001396003.1, NM_001396006.1); c.2426del, p.Gly809fs (NM_199002.2); short protein forms G761fs, G809fs, G794fs, G850fs.
Identifiers: ClinVar variation 3684894 (VCV003684894.2).

ClinVar aggregate classification (germline): Uncertain significance (1 of 4 stars; one submission).

Submission:

Labcorp Genetics (formerly Invitae), Labcorp
Classification: Uncertain significance. Last evaluated: 2024-09-01. Review status: criteria provided, single submitter. Criteria: Invitae Variant Classification Sherloc (09022015). Collection method: clinical testing. Allele origin: germline.
Comment: This sequence change creates a premature translational stop signal (p.Gly809Alafs*41) in the ARHGEF1 gene. It is expected to result in an absent or disrupted protein product. However, the current clinical and genetic evidence is not sufficient to establish whether loss-of-function variants in ARHGEF1 cause disease. This variant is present in population databases (no rsID available, gnomAD 0.0009%). This variant has not been reported in the literature in individuals affected with ARHGEF1-related conditions. In summary, the available evidence is currently insufficient to determine the role of this variant in disease. Therefore, it has been classified as a Variant of Uncertain Significance.